The following is an entry in ClinVar:

NM_015386.3(COG4):c.500G>A (p.Cys167Tyr)

Gene: COG4 (component of oligomeric golgi complex 4; minus strand). Cytogenetic location: 16q22.1.
Variant type: single nucleotide variant.
Coding change: c.500G>A on transcript NM_015386.3 (MANE Select); coding-DNA position 500, G replaced by A.
Protein change: p.Cys167Tyr; replaces cysteine 167 with tyrosine.
Molecular consequence: missense variant. On other transcripts: non-coding transcript variant (1).
Genome position (GRCh38, 1-based): chr16:70,514,379, C>T on the plus strand (G>A on the coding strand, the complement: COG4 is on the minus strand). VCF-style: chr16-70514379-C-T. GRCh37 (hg19) VCF-style: chr16-70548282-C-T.
Other names: c.488G>A, p.Cys163Tyr (NM_001195139.2); c.74G>A, p.Cys25Tyr (NM_001365426.1); short protein forms C163Y, C167Y, C25Y.
Identifiers: ClinVar variation 3340616 (VCV003340616.1).

ClinVar aggregate classification (germline): Uncertain significance (1 of 4 stars; one submission).

gnomAD v4.1: 2 of 1,614,120 alleles (0.00012%); highest among the groups gnomAD compares: Non-Finnish European, 0.00017%; no homozygotes.

Submission:

GeneDx
Classification: Uncertain significance. Last evaluated: 2024-02-09. Review status: criteria provided, single submitter. Criteria: GeneDx Variant Classification Process June 2021. Collection method: clinical testing. Allele origin: germline. Affected: yes.
Comment: Not observed at significant frequency in large population cohorts (gnomAD); In silico analysis supports that this missense variant does not alter protein structure/function; Has not been previously published as pathogenic or benign to our knowledge